The following is an entry in ClinVar:

NM_000038.6(APC):c.8442G>T (p.Lys2814Asn)

Gene: APC (APC regulator of Wnt signaling pathway; plus strand). Cytogenetic location: 5q22.2.
Variant type: single nucleotide variant.
Coding change: c.8442G>T on transcript NM_000038.6 (MANE Select); coding-DNA position 8442, G replaced by T.
Protein change: p.Lys2814Asn; replaces lysine 2814 with asparagine.
Molecular consequence: missense variant. On other transcripts: non-coding transcript variant (2).
Genome position (GRCh38, 1-based): chr5:112,844,036, G>T. VCF-style: chr5-112844036-G-T. GRCh37 (hg19) VCF-style: chr5-112179733-G-T.
Other names: c.8388G>T, p.Lys2796Asn (NM_001127511.3); c.8442G>T, p.Lys2814Asn (NM_001354895.2, NM_001407450.1, NM_001127510.3); c.8496G>T, p.Lys2832Asn (NM_001354896.2, NM_001407447.1, NM_001407448.1 and 1 more transcripts); c.8472G>T, p.Lys2824Asn (NM_001354897.2); c.8367G>T, p.Lys2789Asn (NM_001354898.2); c.8358G>T, p.Lys2786Asn (NM_001354899.2); c.8319G>T, p.Lys2773Asn (NM_001354900.2); c.8265G>T, p.Lys2755Asn (NM_001354901.2, NM_001407453.1); and 11 more; short protein forms K2688N, K2789N, K2814N, K2531N, K2713N, K2804N, K2832N, K2654N.
Identifiers: ClinVar variation 2567016 (VCV002567016.3), dbSNP rs1267993620, ClinGen allele CA16039645.

ClinVar aggregate classification (germline): Uncertain significance. Review status: criteria provided, multiple submitters, no conflicts (2 of 4 stars). 2 submissions from 2 submitters: Uncertain significance (2). Last evaluated 2023-08-28.

Conditions:
Classic or attenuated familial adenomatous polyposis. Identifiers: MedGen CN372698, MONDO:0021057.
Hereditary cancer-predisposing syndrome. Also called: Hereditary neoplastic syndrome; Hereditary Cancer Syndrome; Neoplastic Syndromes, Hereditary; Tumor predisposition. Identifiers: Orphanet 140162, MedGen C0027672, MeSH D009386, MONDO:0015356.

Submissions (2):

All of Us Research Program, National Institutes of Health
Classification: Uncertain significance for Classic or attenuated familial adenomatous polyposis. Last evaluated: 2023-08-28. Review status: criteria provided, single submitter. Criteria: ACMG Guidelines, 2015. Collection method: clinical testing. Allele origin: germline. Inheritance: Autosomal dominant inheritance. Observed: 1 variant allele, 1 heterozygote.
Comment: This missense variant replaces lysine with asparagine at codon 2814 of the APC protein. Computational prediction suggests that this variant may not impact protein structure and function (internally defined REVEL score threshold <= 0.5, PMID: 27666373). To our knowledge, functional studies have not been reported for this variant. This variant has not been reported in individuals affected with APC-related disorders in the literature. This variant has not been identified in the general population by the Genome Aggregation Database (gnomAD). The available evidence is insufficient to determine the role of this variant in disease conclusively. Therefore, this variant is classified as a Variant of Uncertain Significance.

This study involves interpretation of variants in research participants for the purpose of population health screening. Participant phenotype was not available at the time of variant classification. Additional details can be found in publication PMID: 35346344, PMCID: PMC8962531

Ambry Genetics
Classification: Uncertain significance for Hereditary cancer-predisposing syndrome. Last evaluated: 2023-05-02. Review status: criteria provided, single submitter. Criteria: Ambry Variant Classification Scheme 2023. Collection method: clinical testing. Allele origin: germline.
Comment: The p.K2814N variant (also known as c.8442G>T), located in coding exon 15 of the APC gene, results from a G to T substitution at nucleotide position 8442. The lysine at codon 2814 is replaced by asparagine, an amino acid with similar properties. This amino acid position is conserved. In addition, in silico predictors for this gene do not accurately predict pathogenicity. Since supporting evidence is limited at this time, the clinical significance of this alteration remains unclear.